The following is an entry in ClinVar:

NM_003072.5(SMARCA4):c.1397G>T (p.Arg466Leu)

Gene: SMARCA4 (SWI/SNF related BAF chromatin remodeling complex subunit ATPase 4; plus strand). Cytogenetic location: 19p13.2.
Variant type: single nucleotide variant.
Coding change: c.1397G>T on transcript NM_003072.5 (MANE Select); coding-DNA position 1397, G replaced by T.
Protein change: p.Arg466Leu; replaces arginine 466 with leucine.
Molecular consequence: missense variant. On other transcripts: non-coding transcript variant (1).
Genome position (GRCh38, 1-based): chr19:10,991,301, G>T. VCF-style: chr19-10991301-G-T. GRCh37 (hg19) VCF-style: chr19-11101977-G-T.
Other names: c.1397G>T, p.Arg466Leu (NM_001128844.3, NM_001128845.2, NM_001128846.2 and 6 more transcripts); short protein forms R466L.
Identifiers: ClinVar variation 4549399 (VCV004549399.1).

ClinVar aggregate classification (germline): Uncertain significance (1 of 4 stars; one submission).

Conditions:
Hereditary cancer-predisposing syndrome. Also called: Tumor predisposition; Hereditary Cancer Syndrome; Hereditary neoplastic syndrome; Neoplastic Syndromes, Hereditary. Identifiers: Orphanet 140162, MedGen C0027672, MeSH D009386, MONDO:0015356.

Submission:

Ambry Genetics
Classification: Uncertain significance for Hereditary cancer-predisposing syndrome. Last evaluated: 2025-10-14. Review status: criteria provided, single submitter. Criteria: Ambry Variant Classification Scheme 2023. Collection method: clinical testing. Allele origin: germline.
Comment: The p.R466L variant (also known as c.1397G>T), located in coding exon 7 of the SMARCA4 gene, results from a G to T substitution at nucleotide position 1397. The arginine at codon 466 is replaced by leucine, an amino acid with dissimilar properties. This amino acid position is conserved. In addition, the in silico prediction for this alteration is inconclusive. Based on the available evidence, the clinical significance of this variant remains unclear.